The following is an entry in ClinVar:

NM_153026.3(PRICKLE1):c.656T>C (p.Leu219Pro)

Gene: PRICKLE1 (prickle planar cell polarity protein 1; minus strand). Cytogenetic location: 12q12.
Variant type: single nucleotide variant.
Coding change: c.656T>C on transcript NM_153026.3 (MANE Select); coding-DNA position 656, T replaced by C.
Protein change: p.Leu219Pro; replaces leucine 219 with proline.
Molecular consequence: missense variant.
Genome position (GRCh38, 1-based): chr12:42,466,313, A>G on the plus strand (T>C on the coding strand, the complement: PRICKLE1 is on the minus strand). VCF-style: chr12-42466313-A-G. GRCh37 (hg19) VCF-style: chr12-42860115-A-G.
Other names: c.656T>C, p.Leu219Pro (NM_001144881.2, NM_001144882.2, NM_001144883.2); short protein forms L219P.
Identifiers: ClinVar variation 1059519 (VCV001059519.9), dbSNP rs1469737110, ClinGen allele CA384443468.

ClinVar aggregate classification (germline): Uncertain significance (1 of 4 stars; one submission).

Conditions:
Epilepsy, progressive myoclonic, 1B. Also called: PME. Identifiers: Orphanet 308, MedGen C2676254, MONDO:0012904, OMIM 612437.

Allele frequency attached by ClinVar (database versions not stated): gnomAD 0.00001; gnomAD exomes 0.00001.
gnomAD v4.1: 8 of 1,614,094 alleles (0.0005%); highest among the groups gnomAD compares: Non-Finnish European, 0.00034%; no homozygotes.

Submission:

Labcorp Genetics (formerly Invitae), Labcorp
Classification: Uncertain significance for Epilepsy, progressive myoclonic, 1B. Last evaluated: 2024-10-25. Review status: criteria provided, single submitter. Criteria: Invitae Variant Classification Sherloc (09022015). Collection method: clinical testing. Allele origin: germline.
Comment: This sequence change replaces leucine, which is neutral and non-polar, with proline, which is neutral and non-polar, at codon 219 of the PRICKLE1 protein (p.Leu219Pro). This variant is present in population databases (no rsID available, gnomAD 0.008%). This variant has not been reported in the literature in individuals affected with PRICKLE1-related conditions. ClinVar contains an entry for this variant (Variation ID: 1059519). Invitae Evidence Modeling of protein sequence and biophysical properties (such as structural, functional, and spatial information, amino acid conservation, physicochemical variation, residue mobility, and thermodynamic stability) indicates that this missense variant is not expected to disrupt PRICKLE1 protein function with a negative predictive value of 80%. In summary, the available evidence is currently insufficient to determine the role of this variant in disease. Therefore, it has been classified as a Variant of Uncertain Significance.